The following is an entry in ClinVar:

NM_001079843.3(CASZ1):c.4969_4995del (p.Pro1657_Ala1665del)

Gene: CASZ1 (castor zinc finger 1; minus strand). Cytogenetic location: 1p36.22.
Variant type: Deletion.
Coding change: c.4969_4995del on transcript NM_001079843.3 (MANE Select); coding-DNA positions 4969 to 4995, 27 bases deleted (CCCGGGCCGCGCGAGGGCGCCGCCGCC).
Protein change: p.Pro1657_Ala1665del.
Molecular consequence: inframe deletion.
Genome position (GRCh38, 1-based): chr1:10,639,227-10,639,253, GGCGGCGGCGCCCTCGCGCGGCCCGGG deleted on the plus strand (CCCGGGCCGCGCGAGGGCGCCGCCGCC on the coding strand, the reverse complement: CASZ1 is on the minus strand); deleting any 27 consecutive bases within chr1:10,639,227-10,639,263 gives the same sequence; the c. name uses the placement nearest the transcript's 3' end. VCF-style (leftmost placement, unchanged base first): chr1-10639226-CGGCGGCGGCGCCCTCGCGCGGCCCGGG-C. GRCh37 (hg19) VCF-style: chr1-10699283-CGGCGGCGGCGCCCTCGCGCGGCCCGGG-C.
Identifiers: ClinVar variation 3017551 (VCV003017551.4), dbSNP rs986913564, ClinGen allele CA17863168.
Genomic context (GRCh38, chr1:10,639,226, plus strand): 5'-CCGGCAGCTCCAGCTCCTCCTCCTCGTCCTCCTGCGAGGACTCCCCAGCTGCGGCGGCGG[CGGCGGCGGCGCCCTCGCGCGGCCCGGG>C]GGCGGCGGCGTCGGGCGGGCCGGGGTCGCCCGCGTCGCCCAGCGCCAGGCCCAGGCCGGC-3'

ClinVar aggregate classification (germline): Conflicting classifications of pathogenicity. Review status: criteria provided, conflicting classifications (1 of 4 stars). 2 submissions from 2 submitters: Uncertain significance (1); Likely benign (1). Last evaluated 2025-04-02.

Submissions (2):

Labcorp Genetics (formerly Invitae), Labcorp
Classification: Uncertain significance. Last evaluated: 2025-04-02. Review status: criteria provided, single submitter. Criteria: Invitae Variant Classification Sherloc (09022015). Collection method: clinical testing. Allele origin: germline.
Comment: This variant, c.4969_4995del, results in the deletion of 9 amino acid(s) of the CASZ1 protein (p.Pro1657_Ala1665del), but otherwise preserves the integrity of the reading frame. The frequency data for this variant in the population databases is considered unreliable, as metrics indicate poor data quality at this position in the gnomAD database. This variant has not been reported in the literature in individuals affected with CASZ1-related conditions. ClinVar contains an entry for this variant (Variation ID: 3017551). Experimental studies and prediction algorithms are not available or were not evaluated, and the functional significance of this variant is currently unknown. In summary, the available evidence is currently insufficient to determine the role of this variant in disease. Therefore, it has been classified as a Variant of Uncertain Significance.

Blueprint Genetics
Classification: Likely benign. Last evaluated: 2024-06-20. Review status: criteria provided, single submitter. Criteria: ACMG Guidelines, 2015. Collection method: clinical testing. Allele origin: germline.